The following is an entry in ClinVar:

ClinVar aggregate classification (germline): Uncertain significance. Review status: criteria provided, multiple submitters, no conflicts (2 of 4 stars). 2 submissions from 2 submitters: Uncertain significance (2). Last evaluated 2025-10-23.

Conditions:
Hypertrophic cardiomyopathy. Also called: HYPERTROPHIC MYOCARDIOPATHY. Identifiers: Orphanet 217569, MedGen C0007194, MeSH D002312, MONDO:0005045, HP:0001639.

Allele frequency attached by ClinVar (database versions not stated): TOPMed 0.00002; gnomAD exomes 0.00003 and 0.00006; ExAC 0.00004.
gnomAD v4.1: 16 of 1,612,682 alleles (0.00099%); highest among the groups gnomAD compares: Admixed American, 0.027%; no homozygotes.

Submissions (2):

Ambry Genetics
Classification: Uncertain significance. Last evaluated: 2025-10-23. Review status: criteria provided, single submitter. Criteria: Ambry Variant Classification Scheme 2023. Collection method: clinical testing. Allele origin: germline.
Comment: The p.E270K variant (also known as c.808G>A), located in coding exon 4 of the MYOM1 gene, results from a G to A substitution at nucleotide position 808. The glutamic acid at codon 270 is replaced by lysine, an amino acid with similar properties. This amino acid position is conserved. In addition, this alteration is predicted to be tolerated by in silico analysis. Based on the available evidence, the clinical significance of this variant remains unclear.

Labcorp Genetics (formerly Invitae), Labcorp
Classification: Uncertain significance for Hypertrophic cardiomyopathy. Last evaluated: 2023-06-20. Review status: criteria provided, single submitter. Criteria: Invitae Variant Classification Sherloc (09022015). Collection method: clinical testing. Allele origin: germline.
Comment: In summary, the available evidence is currently insufficient to determine the role of this variant in disease. Therefore, it has been classified as a Variant of Uncertain Significance. Advanced modeling of protein sequence and biophysical properties (such as structural, functional, and spatial information, amino acid conservation, physicochemical variation, residue mobility, and thermodynamic stability) performed at Invitae indicates that this missense variant is not expected to disrupt MYOM1 protein function. ClinVar contains an entry for this variant (Variation ID: 651571). This variant has not been reported in the literature in individuals affected with MYOM1-related conditions. This variant is present in population databases (rs777614479, gnomAD 0.04%). This sequence change replaces glutamic acid, which is acidic and polar, with lysine, which is basic and polar, at codon 270 of the MYOM1 protein (p.Glu270Lys).

NM_003803.4(MYOM1):c.808G>A (p.Glu270Lys)

Gene: MYOM1 (myomesin 1; minus strand). Cytogenetic location: 18p11.31.
Variant type: single nucleotide variant.
Coding change: c.808G>A on transcript NM_003803.4 (MANE Select); coding-DNA position 808, G replaced by A.
Protein change: p.Glu270Lys; replaces glutamic acid 270 with lysine.
Molecular consequence: missense variant.
Genome position (GRCh38, 1-based): chr18:3,187,601, C>T on the plus strand (G>A on the coding strand, the complement: MYOM1 is on the minus strand). VCF-style: chr18-3187601-C-T. GRCh37 (hg19) VCF-style: chr18-3187599-C-T.
Other names: c.808G>A, p.Glu270Lys (NM_019856.2); short protein forms E270K.
Identifiers: ClinVar variation 651571 (VCV000651571.10), dbSNP rs777614479, ClinGen allele CA8875146.